The following is an entry in ClinVar:

ClinVar aggregate classification (germline): Uncertain significance. Review status: criteria provided, multiple submitters, no conflicts (2 of 4 stars). 2 submissions from 2 submitters: Uncertain significance (2). Last evaluated 2025-05-08.

Allele frequency attached by ClinVar (database versions not stated): gnomAD 0.00003; gnomAD exomes 0.00004; TOPMed 0.00006; ExAC 0.00008.
gnomAD v4.1: 18 of 1,549,816 alleles (0.0012%); highest among the groups gnomAD compares: Admixed American, 0.024%; no homozygotes.

Submissions (2):

Labcorp Genetics (formerly Invitae), Labcorp
Classification: Uncertain significance. Last evaluated: 2025-05-08. Review status: criteria provided, single submitter. Criteria: Invitae Variant Classification Sherloc (09022015). Collection method: clinical testing. Allele origin: germline.
Comment: This sequence change replaces arginine, which is basic and polar, with leucine, which is neutral and non-polar, at codon 10 of the MCM4 protein (p.Arg10Leu). The frequency data for this variant in the population databases is considered unreliable, as metrics indicate poor data quality at this position in the gnomAD database. This variant has not been reported in the literature in individuals affected with MCM4-related conditions. ClinVar contains an entry for this variant (Variation ID: 1362979). An algorithm developed to predict the effect of missense changes on protein structure and function (PolyPhen-2) suggests that this variant is likely to be tolerated. In summary, the available evidence is currently insufficient to determine the role of this variant in disease. Therefore, it has been classified as a Variant of Uncertain Significance.

Ambry Genetics
Classification: Uncertain significance. Last evaluated: 2025-04-02. Review status: criteria provided, single submitter. Criteria: Ambry Variant Classification Scheme 2023. Collection method: clinical testing. Allele origin: germline.

NM_182746.3(MCM4):c.29G>T (p.Arg10Leu)

Genes: MCM4 (minichromosome maintenance complex component 4; plus strand), LOC130000338 (ATAC-STARR-seq lymphoblastoid silent region 19178; plus strand). Cytogenetic location: 8q11.21.
Variant type: single nucleotide variant.
Coding change: c.29G>T on transcript NM_182746.3 (MANE Select); coding-DNA position 29, G replaced by T.
Protein change: p.Arg10Leu; replaces arginine 10 with leucine.
Molecular consequence: missense variant.
Genome position (GRCh38, 1-based): chr8:47,961,173, G>T. VCF-style: chr8-47961173-G-T. GRCh37 (hg19) VCF-style: chr8-48873733-G-T.
Other names: c.29G>T, p.Arg10Leu (NM_005914.4); c.29G>T (NM_005914.3); short protein forms R10L.
Identifiers: ClinVar variation 1362979 (VCV001362979.8), dbSNP rs780975597, ClinGen allele CA4742145.
Genomic context (GRCh38, chr8:47,961,173, plus strand): 5'-CTTGTCCTTGTCGCGCAGGTACTCCGAGCACTATGTCGTCCCCGGCGTCGACCCCGAGCC[G>T]CCGCGGCAGCCGGCGTGGAAGGGCCACCCCCGCCCAGACGCGTGAGTCCCCCGAGCCGGG-3'
Protein context (NP_877423.1, residues 1-20): MSSPASTPS[Arg10Leu]RGSRRGRATP